The following is an entry in ClinVar:

NM_001303256.3(MORC2):c.1774A>C (p.Lys592Gln)

Gene: MORC2 (MORC family CW-type zinc finger 2; minus strand). Cytogenetic location: 22q12.2.
Variant type: single nucleotide variant.
Coding change: c.1774A>C on transcript NM_001303256.3 (MANE Select); coding-DNA position 1774, A replaced by C.
Protein change: p.Lys592Gln; replaces lysine 592 with glutamine.
Molecular consequence: missense variant.
Genome position (GRCh38, 1-based): chr22:30,935,286, T>G on the plus strand (A>C on the coding strand, the complement: MORC2 is on the minus strand). VCF-style: chr22-30935286-T-G. GRCh37 (hg19) VCF-style: chr22-31331273-T-G.
Other names: c.1774A>C, p.Lys592Gln (NM_001303257.2); c.1588A>C, p.Lys530Gln (NM_014941.3); short protein forms K530Q, K592Q.
Identifiers: ClinVar variation 4530895 (VCV004530895.1).

ClinVar aggregate classification (germline): Uncertain significance (1 of 4 stars; one submission).

Submission:

GeneDx
Classification: Uncertain significance. Last evaluated: 2025-05-20. Review status: criteria provided, single submitter. Criteria: GeneDx Variant Classification Process June 2021. Collection method: clinical testing. Allele origin: germline. Affected: yes.
Comment: Not observed at significant frequency in large population cohorts (gnomAD); In silico analysis suggests that this missense variant does not alter protein structure/function; Has not been previously published as pathogenic or benign to our knowledge